The following is an entry in ClinVar:

NM_014251.3(SLC25A13):c.28_29del (p.Lys10fs)

Gene: SLC25A13 (solute carrier family 25 member 13; minus strand). Cytogenetic location: 7q21.3.
Variant type: Deletion.
Coding change: c.28_29del on transcript NM_014251.3 (MANE Select); coding-DNA positions 28 to 29, 2 bases deleted (AA; older notation c.28_29delAA).
Protein change: p.Lys10fs; shifts the reading frame from lysine 10.
Molecular consequence: frameshift variant. On other transcripts: non-coding transcript variant (1).
Genome position (GRCh38, 1-based): chr7:96,296,938-96,296,939, TT deleted on the plus strand (AA on the coding strand, the reverse complement: SLC25A13 is on the minus strand). VCF-style (leftmost placement, unchanged base first): chr7-96296937-CTT-C. GRCh37 (hg19) VCF-style: chr7-95926249-CTT-C.
Other names: c.28_29del, p.Lys10fs (NM_001160210.2); short protein forms K10fs.
Identifiers: ClinVar variation 4815639 (VCV004815639.1).

ClinVar aggregate classification (germline): Pathogenic (1 of 4 stars; one submission).

Conditions:
Citrullinemia. Identifiers: Orphanet 187, MedGen C0175683, MONDO:0015991.

Submission:

Natera, Inc.
Classification: Pathogenic for Citrullinemia. Last evaluated: 2024-10-19. Review status: criteria provided, single submitter. Criteria: Natera Variant Classification Schema (03/2026). Collection method: clinical testing. Allele origin: germline.
Comment: The c.28_29del variant in SLC25A13 is a frameshift variant predicted to shift the reading frame beginning at codon 10 and leads to a stop codon 6 codons downstream. This variant is expected to result in nonsense mediated decay, truncation, or a dysfunctional protein product. This variant is rare in the general population with a frequency below the threshold expected for the associated phenotype(s). This variant has been observed in one or more individuals affected with the associated recessive disease, as either homozygous or compound heterozygous with a second variant (PMID: 38497870). Given the available evidence, this variant is classified as Pathogenic.

Literature cited by the submitters: PubMed 38497870.